The following is an entry in ClinVar:

NM_145261.4(DNAJC19):c.209+95C>G

Gene: DNAJC19 (DnaJ heat shock protein family (Hsp40) member C19; minus strand). Cytogenetic location: 3q26.33.
Variant type: single nucleotide variant.
Coding change: c.209+95C>G on transcript NM_145261.4 (MANE Select); 95 bases into the intron after coding-DNA position 209, C replaced by G.
Molecular consequence: intron variant.
Genome position (GRCh38, 1-based): chr3:180,986,848, G>C on the plus strand (C>G on the coding strand, the complement: DNAJC19 is on the minus strand). VCF-style: chr3-180986848-G-C. GRCh37 (hg19) VCF-style: chr3-180704636-G-C.
Other names: NC_000003.11:g.180704636G>C; c.134+95C>G (NM_001190233.2).
Identifiers: ClinVar variation 676722 (VCV000676722.2), dbSNP rs192120432, ClinGen allele CA89106562.

ClinVar aggregate classification (germline): Likely benign (1 of 4 stars; one submission).

Allele frequency attached by ClinVar (database versions not stated): 1000 Genomes Project 0.00140; 1000 Genomes Project 30x 0.00141; TOPMed 0.00492.
gnomAD v4.1: 6,798 of 1,013,416 alleles (0.67%); highest among the groups gnomAD compares: Non-Finnish European, 0.83%; 47 homozygotes.

Submissions (3):

GeneDx
Classification: Likely benign. Last evaluated: 2018-06-14. Review status: criteria provided, single submitter. Criteria: GeneDx Variant Classification (06012015). Collection method: clinical testing. Allele origin: germline. Affected: yes.
Comment: This variant is considered likely benign or benign based on one or more of the following criteria: it is a conservative change, it occurs at a poorly conserved position in the protein, it is predicted to be benign by multiple in silico algorithms, and/or has population frequency not consistent with disease.

Dr. Peter K. Rogan Lab, Western University
No classification provided (evidence only). Condition: Sarcoma. Review status: no classification provided. Collection method: in vitro. Allele origin: not applicable. Functional consequence: skipped exon. Not counted in ClinVar's aggregate classification.

Dr. Peter K. Rogan Lab, Western University
No classification provided (evidence only). Condition: Uterine carcinosarcoma. Review status: no classification provided. Collection method: in vitro. Allele origin: not applicable. Functional consequence: retained intron. Not counted in ClinVar's aggregate classification.